The following is an entry in ClinVar:

ClinVar aggregate classification (germline): Uncertain significance (1 of 4 stars; one submission).

Conditions:
CHARGE syndrome (CHARGE). Also called: Hittner Hirsch Kreh syndrome; CHARGE ASSOCIATION--COLOBOMA, HEART ANOMALY, CHOANAL ATRESIA, RETARDATION, GENITAL AND EAR ANOMALIES; Coloboma, heart anomaly, choanal atresia, retardation, genital and ear anomalies; CHARGE association; Hall-Hittner syndrome. Identifiers: Orphanet 138, MedGen C0265354, MONDO:0008965.

Allele frequency attached by ClinVar (database versions not stated): TOPMed below 0.00001; gnomAD 0.00001; gnomAD exomes 0.00002; ExAC 0.00003; 1000 Genomes Project 0.00020; 1000 Genomes Project 30x 0.00031.
gnomAD v4.1: 26 of 1,613,836 alleles (0.0016%); highest among the groups gnomAD compares: South Asian, 0.029%; 1 homozygote.

Submission:

Labcorp Genetics (formerly Invitae), Labcorp
Classification: Uncertain significance for CHARGE syndrome. Last evaluated: 2023-11-28. Review status: criteria provided, single submitter. Criteria: Invitae Variant Classification Sherloc (09022015). Collection method: clinical testing. Allele origin: germline.
Comment: This sequence change falls in intron 30 of the CHD7 gene. It does not directly change the encoded amino acid sequence of the CHD7 protein. It affects a nucleotide within the consensus splice site. This variant is present in population databases (rs533191753, gnomAD 0.02%). This variant has not been reported in the literature in individuals affected with CHD7-related conditions. Variants that disrupt the consensus splice site are a relatively common cause of aberrant splicing (PMID: 17576681, 9536098). Algorithms developed to predict the effect of sequence changes on RNA splicing suggest that this variant is not likely to affect RNA splicing. In summary, the available evidence is currently insufficient to determine the role of this variant in disease. Therefore, it has been classified as a Variant of Uncertain Significance.

Literature cited by the submitters: PubMed 17576681; PubMed 9536098.

NM_017780.4(CHD7):c.6103+3A>G

Gene: CHD7 (chromodomain helicase DNA binding protein 7; plus strand). Cytogenetic location: 8q12.2.
Variant type: single nucleotide variant.
Coding change: c.6103+3A>G on transcript NM_017780.4 (MANE Select); 3 bases into the intron after coding-DNA position 6103, A replaced by G.
Molecular consequence: intron variant.
Genome position (GRCh38, 1-based): chr8:60,852,709, A>G. VCF-style: chr8-60852709-A-G. GRCh37 (hg19) VCF-style: chr8-61765268-A-G.
Other names: c.1717-9520A>G (NM_001316690.1).
Identifiers: ClinVar variation 2967513 (VCV002967513.3), dbSNP rs533191753, ClinGen allele CA4760517.